The following is an entry in ClinVar:

NM_021620.4(PRDM13):c.1792T>C (p.Tyr598His)

Gene: PRDM13 (PR/SET domain 13; plus strand). Cytogenetic location: 6q16.2.
Variant type: single nucleotide variant.
Coding change: c.1792T>C on transcript NM_021620.4 (MANE Select); coding-DNA position 1792, T replaced by C.
Protein change: p.Tyr598His; replaces tyrosine 598 with histidine.
Molecular consequence: missense variant.
Genome position (GRCh38, 1-based): chr6:99,614,427, T>C. VCF-style: chr6-99614427-T-C. GRCh37 (hg19) VCF-style: chr6-100062303-T-C.
Other names: short protein forms Y598H.
Identifiers: ClinVar variation 1424352 (VCV001424352.8), dbSNP rs772129112, ClinGen allele CA3936447.

ClinVar aggregate classification (germline): Uncertain significance (1 of 4 stars; one submission).

Allele frequency attached by ClinVar (database versions not stated): gnomAD exomes below 0.00001 and 0.00001; gnomAD 0.00001; TOPMed 0.00001; ExAC 0.00003.
gnomAD v4.1: 7 of 1,613,356 alleles (0.00043%); highest among the groups gnomAD compares: Non-Finnish European, 0.00059%; no homozygotes.

Submission:

Labcorp Genetics (formerly Invitae), Labcorp
Classification: Uncertain significance. Last evaluated: 2021-01-09. Review status: criteria provided, single submitter. Criteria: Invitae Variant Classification Sherloc (09022015). Collection method: clinical testing. Allele origin: germline.
Comment: In summary, the available evidence is currently insufficient to determine the role of this variant in disease. Therefore, it has been classified as a Variant of Uncertain Significance. Algorithms developed to predict the effect of missense changes on protein structure and function (SIFT, PolyPhen-2, Align-GVGD) all suggest that this variant is likely to be disruptive, but these predictions have not been confirmed by published functional studies and their clinical significance is uncertain. This variant has not been reported in the literature in individuals with PRDM13-related conditions. This variant is present in population databases (rs772129112, ExAC 0.005%). This sequence change replaces tyrosine with histidine at codon 598 of the PRDM13 protein (p.Tyr598His). The tyrosine residue is highly conserved and there is a moderate physicochemical difference between tyrosine and histidine.